The following is an entry in ClinVar:

ClinVar aggregate classification (germline): Uncertain significance (1 of 4 stars; one submission).

Submission:

Women's Health and Genetics/Laboratory Corporation of America, LabCorp
Classification: Uncertain significance. Last evaluated: 2023-10-30. Review status: criteria provided, single submitter. Criteria: LabCorp Variant Classification Summary - May 2015. Collection method: clinical testing. Allele origin: germline.
Comment: Variant summary: USP9X c.6631G>A (p.Asp2211Asn) results in a conservative amino acid change located in the Domain of unknown function DUF3517 (IPR021905) of the encoded protein sequence. Three of five in-silico tools predict a damaging effect of the variant on protein function. The variant was absent in 183248 control chromosomes. The available data on variant occurrences in the general population are insufficient to allow any conclusion about variant significance. To our knowledge, no occurrence of c.6631G>A in individuals affected with Mental Retardation, X-Linked 99 and no experimental evidence demonstrating its impact on protein function have been reported. No submitters have cited clinical-significance assessments for this variant to ClinVar after 2014. Based on the evidence outlined above, the variant was classified as uncertain significance.

NM_001039591.3(USP9X):c.6631G>A (p.Asp2211Asn)

Gene: USP9X (ubiquitin specific peptidase 9 X-linked; plus strand). Cytogenetic location: Xp11.4.
Variant type: single nucleotide variant.
Coding change: c.6631G>A on transcript NM_001039591.3 (MANE Select); coding-DNA position 6631, G replaced by A.
Protein change: p.Asp2211Asn; replaces aspartic acid 2211 with asparagine.
Molecular consequence: missense variant.
Genome position (GRCh38, 1-based): chrX:41,223,282, G>A. VCF-style: chrX-41223282-G-A. GRCh37 (hg19) VCF-style: chrX-41082535-G-A.
Other names: c.6631G>A, p.Asp2211Asn (NM_001039590.3); c.6646G>A, p.Asp2216Asn (NM_001410748.1, NM_001410749.1); short protein forms D2211N, D2216N.
Identifiers: ClinVar variation 2637543 (VCV002637543.1), dbSNP rs2519394063, ClinGen allele CA412804387.